The following is an entry in ClinVar:

ClinVar aggregate classification (germline): Uncertain significance (1 of 4 stars; one submission).

Allele frequency attached by ClinVar (database versions not stated): TOPMed below 0.00001; gnomAD exomes 0.00001.
gnomAD v4.1: 4 of 1,614,104 alleles (0.00025%); highest among the groups gnomAD compares: Non-Finnish European, 0.00034%; no homozygotes.

Submission:

GeneDx
Classification: Uncertain significance. Last evaluated: 2022-08-15. Review status: criteria provided, single submitter. Criteria: GeneDx Variant Classification Process June 2021. Collection method: clinical testing. Allele origin: germline. Affected: yes.
Comment: Not observed at significant frequency in large population cohorts (gnomAD); In silico analysis supports that this missense variant has a deleterious effect on protein structure/function; Has not been previously published as pathogenic or benign to our knowledge

NM_015335.5(MED13L):c.5470A>G (p.Asn1824Asp)

Gene: MED13L (mediator complex subunit 13L; minus strand). Cytogenetic location: 12q24.21.
Variant type: single nucleotide variant.
Coding change: c.5470A>G on transcript NM_015335.5 (MANE Select); coding-DNA position 5470, A replaced by G.
Protein change: p.Asn1824Asp; replaces asparagine 1824 with aspartic acid.
Molecular consequence: missense variant.
Genome position (GRCh38, 1-based): chr12:115,975,633, T>C on the plus strand (A>G on the coding strand, the complement: MED13L is on the minus strand). VCF-style: chr12-115975633-T-C. GRCh37 (hg19) VCF-style: chr12-116413438-T-C.
Other names: short protein forms N1824D.
Identifiers: ClinVar variation 2430427 (VCV002430427.1), dbSNP rs1876883847, ClinGen allele CA386879240.